The following is an entry in ClinVar:

NM_005052.3(RAC3):c.348G>C (p.Lys116Asn)

Gene: RAC3 (Rac family small GTPase 3; plus strand). Cytogenetic location: 17q25.3.
Variant type: single nucleotide variant.
Coding change: c.348G>C on transcript NM_005052.3 (MANE Select); coding-DNA position 348, G replaced by C.
Protein change: p.Lys116Asn; replaces lysine 116 with asparagine.
Molecular consequence: missense variant.
Genome position (GRCh38, 1-based): chr17:82,033,499, G>C. VCF-style: chr17-82033499-G-C. GRCh37 (hg19) VCF-style: chr17-79991375-G-C.
Other names: c.348G>C, p.Lys116Asn (NM_001316307.2); short protein forms K116N.
Identifiers: ClinVar variation 2584507 (VCV002584507.2), dbSNP rs546702613, ClinGen allele CA401554405.
Genomic context (GRCh38, chr17:82,033,499, plus strand): 5'-GTGGTACCCGGAGGTGCGGCACCACTGCCCCCACACGCCCATCCTCCTGGTGGGCACCAA[G>C]CTGGACCTCCGCGACGACAAGGACACCATTGAGCGGCTGCGGGACAAGAAGCTGGCACCC-3'
Protein context (NP_005043.1, residues 106-126): PHTPILLVGT[Lys116Asn]LDLRDDKDTI

ClinVar aggregate classification (germline): Pathogenic/Likely pathogenic. Review status: criteria provided, multiple submitters, no conflicts (2 of 4 stars). 2 submissions from 2 submitters: Pathogenic (1); Likely pathogenic (1). Last evaluated 2025-06-11.

Conditions:
RAC3-related disorder. Also called: RAC3-related condition.

Submissions (2):

GeneDx
Classification: Pathogenic. Last evaluated: 2025-06-11. Review status: criteria provided, single submitter. Criteria: GeneDx Variant Classification Process June 2021. Collection method: clinical testing. Allele origin: germline. Affected: yes.
Comment: Not observed at significant frequency in large population cohorts (gnomAD); In silico analysis supports that this missense variant has a deleterious effect on protein structure/function; This variant is associated with the following publications: (PMID: 35851598)

Rady Children's Institute for Genomic Medicine, Rady Children's Hospital San Diego
Classification: Likely pathogenic for RAC3-related disorder. Review status: criteria provided, single submitter. Criteria: ACMG Guidelines, 2015. Collection method: clinical testing. Allele origin: germline. Affected: yes.
Comment: This variant has not been previously reported or functionally characterized in the literature to our knowledge. It is absent from the gnomAD population database and thus is presumed to be rare. The c.348G>C (p.Lys116Asn) variant affects a highly conserved amino acid and is predicted by multiple in silico tools to have a deleterious effect on protein function. Heterozygous missense variants in RAC3 are a known mechanism of disease in individuals with Neurodevelopmental disorder with structural brain anomalies and dysmorphic facies (MIM: #618577, PMID: 30293988, 31420595). Analysis of the parental samples was negative for the variant, indicating this variant likely occurred as a de novo event. Based on the available evidence, the c.348G>C (p.Lys116Asn) variant is classified as Likely Pathogenic.